The following is an entry in ClinVar:

NC_000023.10:g.(?_31140036)_(33229429_?)dup

Gene: DMD (dystrophin; minus strand). Cytogenetic location: Xp21.2-21.1.
Variant type: Duplication.
Identifiers: ClinVar variation 3242657 (VCV003242657.1).

ClinVar aggregate classification (germline): Uncertain significance (1 of 4 stars; one submission).

Conditions:
Duchenne muscular dystrophy (DMD). Also called: MUSCULAR DYSTROPHY, PSEUDOHYPERTROPHIC PROGRESSIVE, DUCHENNE TYPE; Duchenne Muscular Dystrophy (DMD). Identifiers: Orphanet 98896, MedGen C0013264, MONDO:0010679, OMIM 310200.

Submission:

Labcorp Genetics (formerly Invitae), Labcorp
Classification: Uncertain significance for Duchenne muscular dystrophy. Last evaluated: 2024-01-12. Review status: criteria provided, single submitter. Criteria: Invitae Variant Classification Sherloc (09022015). Collection method: clinical testing. Allele origin: unknown.
Comment: A copy number gain of the genomic region encompassing the full coding sequence of the DMD gene has been identified. The boundaries of this event are unknown as they extend beyond the assayed region for this gene and therefore may encompass additional genes. As the precise location of this event is unknown, it may be in tandem or it may be located elsewhere in the genome. A similar copy number variant has been observed in individual(s) with clinical features of DMD-related conditions (PMID: 22796527). Experimental studies and prediction algorithms are not available or were not evaluated, and the functional significance of this variant is currently unknown. In summary, the available evidence is currently insufficient to determine the role of this variant in disease. Therefore, it has been classified as a Variant of Uncertain Significance.

Literature cited by the submitters: PubMed 22796527.